The following is an entry in ClinVar:

ClinVar aggregate classification (germline): Likely benign. Review status: criteria provided, multiple submitters, no conflicts (2 of 4 stars). 3 submissions from 3 submitters: Likely benign (2). 1 of the submissions does not count toward it. Last evaluated 2025-11-13.

Conditions:
RIN2-related disorder. Also called: RIN2-related condition.

Allele frequency attached by ClinVar (database versions not stated): gnomAD exomes 0.00003; TOPMed 0.00003; ExAC 0.00004; gnomAD 0.00005 and 0.00006; ESP Exome Variant Server 0.00008.
gnomAD v4.1: 48 of 1,613,832 alleles (0.003%); highest among the groups gnomAD compares: Admixed American, 0.0083%; no homozygotes.

Submissions (3):

Labcorp Genetics (formerly Invitae), Labcorp
Classification: Likely benign. Last evaluated: 2025-11-13. Review status: criteria provided, single submitter. Criteria: Invitae Variant Classification Sherloc (09022015). Collection method: clinical testing. Allele origin: germline.

GeneDx
Classification: Likely benign. Last evaluated: 2020-12-16. Review status: criteria provided, single submitter. Criteria: GeneDx Variant Classification Process June 2021. Collection method: clinical testing. Allele origin: germline. Affected: yes.

PreventionGenetics, part of Exact Sciences
Classification: Likely benign for RIN2-related condition. Last evaluated: 2022-02-07. Review status: no assertion criteria provided. Collection method: clinical testing. Allele origin: germline. Not counted in ClinVar's aggregate classification.
Comment: This variant is classified as likely benign based on ACMG/AMP sequence variant interpretation guidelines (Richards et al. 2015 PMID: 25741868, with internal and published modifications).

NM_018993.4(RIN2):c.2466C>T (p.Cys822=)

Gene: RIN2 (Ras and Rab interactor 2; plus strand). Cytogenetic location: 20p11.23.
Variant type: single nucleotide variant.
Coding change: c.2466C>T on transcript NM_018993.4 (MANE Select); coding-DNA position 2466, C replaced by T.
Protein change: p.Cys822=; no amino-acid change (cysteine 822 retained).
Molecular consequence: synonymous variant.
Genome position (GRCh38, 1-based): chr20:20,000,714, C>T. VCF-style: chr20-20000714-C-T. GRCh37 (hg19) VCF-style: chr20-19981358-C-T.
Other names: c.2613C>T, p.Cys871= (NM_001242581.2); c.1848C>T, p.Cys616= (NM_001378238.1).
Identifiers: ClinVar variation 701381 (VCV000701381.10), dbSNP rs372906526, ClinGen allele CA9780310.